The following is an entry in ClinVar:

NM_001077525.3(MTMR14):c.165G>A (p.Glu55=)

Gene: MTMR14 (myotubularin related protein 14; plus strand). Cytogenetic location: 3p25.3.
Variant type: single nucleotide variant.
Coding change: c.165G>A on transcript NM_001077525.3 (MANE Select); coding-DNA position 165, G replaced by A.
Protein change: p.Glu55=; no amino-acid change (glutamic acid 55 retained).
Molecular consequence: synonymous variant. On other transcripts: 5 prime UTR variant (14), non-coding transcript variant (8), intron variant (6).
Genome position (GRCh38, 1-based): chr3:9,653,626, G>A. VCF-style: chr3-9653626-G-A. GRCh37 (hg19) VCF-style: chr3-9695310-G-A.
Other names: c.165G>A, p.Glu55= (NM_001400524.1, NM_001400527.1, NM_001400528.1 and 9 more transcripts); c.234G>A, p.Glu78= (NM_001400526.1, NM_001400518.1, NM_001400521.1); c.-341G>A (NM_001400533.1, NM_001400539.1, NM_001400545.1); c.-402G>A (NM_001400534.1, NM_001400538.1, NM_001400541.1 and 3 more transcripts); c.-369G>A (NM_001400540.1); c.-414G>A (NM_001400544.1); c.-551G>A (NM_001400547.1); c.-475G>A (NM_001400548.1); and 4 more.
Identifiers: ClinVar variation 3025168 (VCV003025168.22), dbSNP rs1458255145, ClinGen allele CA432508253.

ClinVar aggregate classification (germline): Likely benign (1 of 4 stars; one submission).

Submission:

CeGaT Center for Human Genetics Tuebingen
Classification: Likely benign. Last evaluated: 2024-03-01. Review status: criteria provided, single submitter. Criteria: CeGaT Center For Human Genetics Tuebingen Variant Classification Criteria Version 2. Collection method: clinical testing. Allele origin: germline. Affected: yes. Observed: 1 variant allele.
Comment: MTMR14: PM2:Supporting, BP4, BP7